The following is an entry in ClinVar:

ClinVar aggregate classification (germline): Uncertain significance (1 of 4 stars; one submission).

Submission:

Ambry Genetics
Classification: Uncertain significance. Last evaluated: 2025-06-04. Review status: criteria provided, single submitter. Criteria: Ambry Variant Classification Scheme 2023. Collection method: clinical testing. Allele origin: germline.
Comment: The p.Q618H variant (also known as c.1854G>C), located in coding exon 9 of the ATRIP gene, results from a G to C substitution at nucleotide position 1854. The glutamine at codon 618 is replaced by histidine, an amino acid with highly similar properties. This amino acid position is conserved. In addition, this alteration is predicted to be tolerated by in silico analysis. Based on the available evidence, the clinical significance of this variant remains unclear.

NM_130384.3(ATRIP):c.1854G>C (p.Gln618His)

Genes: ATRIP (ATR interacting protein; plus strand), ATRIP-TREX1 (ATRIP-TREX1 readthrough; plus strand). Cytogenetic location: 3p21.31.
Variant type: single nucleotide variant.
Coding change: c.1854G>C on transcript NM_130384.3 (MANE Select); coding-DNA position 1854, G replaced by C.
Protein change: p.Gln618His; replaces glutamine 618 with histidine.
Molecular consequence: missense variant. On other transcripts: non-coding transcript variant (1).
Genome position (GRCh38, 1-based): chr3:48,463,853, G>C. VCF-style: chr3-48463853-G-C. GRCh37 (hg19) VCF-style: chr3-48505252-G-C.
Other names: c.1473G>C, p.Gln491His (NM_001271022.2); c.1575G>C, p.Gln525His (NM_001271023.2); c.1854G>C, p.Gln618His (NM_032166.4); short protein forms Q618H, Q525H, Q491H.
Identifiers: ClinVar variation 3977015 (VCV003977015.1).